The following is an entry in ClinVar:

NM_000166.6(GJB1):c.758G>A (p.Ser253Asn)

Gene: GJB1 (gap junction protein beta 1; plus strand). Cytogenetic location: Xq13.1.
Variant type: single nucleotide variant.
Coding change: c.758G>A on transcript NM_000166.6 (MANE Select); coding-DNA position 758, G replaced by A.
Protein change: p.Ser253Asn; replaces serine 253 with asparagine.
Molecular consequence: missense variant.
Genome position (GRCh38, 1-based): chrX:71,224,465, G>A. VCF-style: chrX-71224465-G-A. GRCh37 (hg19) VCF-style: chrX-70444315-G-A.
Other names: c.758G>A, p.Ser253Asn (NM_001097642.3); c.758G>A (NM_000166.5); short protein forms S253N.
Identifiers: ClinVar variation 1016396 (VCV001016396.11), dbSNP rs994060118, ClinGen allele CA330997854.

ClinVar aggregate classification (germline): Uncertain significance. Review status: criteria provided, multiple submitters, no conflicts (2 of 4 stars). 4 submissions from 4 submitters: Uncertain significance (3). 1 of the submissions does not count toward it. Last evaluated 2024-10-15.

Conditions:
Charcot-Marie-Tooth Neuropathy X. Identifiers: MedGen CN118851.
Charcot-Marie-Tooth disease. Also called: Charcot-Marie-Tooth Neuropathy; Charcot-Marie-Tooth Hereditary Neuropathy. Identifiers: Orphanet 166, MedGen C0007959, MONDO:0015626.

Allele frequency attached by ClinVar (database versions not stated): gnomAD exomes 0.00001 and 0.00003; TOPMed 0.00001.
gnomAD v4.1: 28 of 1,208,316 alleles (0.0023%); highest among the groups gnomAD compares: Non-Finnish European, 0.0031%; no homozygotes.

Submissions (4):

Athena Diagnostics
Classification: Uncertain significance. Last evaluated: 2024-10-15. Review status: criteria provided, single submitter. Criteria: Athena Diagnostics Criteria. Collection method: clinical testing. Allele origin: unknown.
Comment: Available data are insufficient to determine the clinical significance of the variant at this time. The frequency of this variant in the general population is uninformative in assessment of its pathogenicity. This variant has been identified in at least one individual with clinical features associated with this gene. Polyphen and MutationTaster predict this amino acid change may be benign.

Women's Health and Genetics/Laboratory Corporation of America, LabCorp
Classification: Uncertain significance. Last evaluated: 2024-04-03. Review status: criteria provided, single submitter. Criteria: LabCorp Variant Classification Summary - May 2015. Collection method: clinical testing. Allele origin: germline.
Comment: Variant summary: GJB1 c.758G>A (p.Ser253Asn) results in a conservative amino acid change in the encoded protein sequence. Four of five in-silico tools predict a benign effect of the variant on protein function. The variant allele was found at a frequency of 1.2e-05 in 172794 control chromosomes. The available data on variant occurrences in the general population are insufficient to allow any conclusion about variant significance. c.758G>A has been reported in the literature as a VUS in at least one individual affected with clinical features of Charcot-Marie-Tooth disease (e.g. Volodarsky_2021). This report does not provide unequivocal conclusions about association of the variant with Charcot-Marie-Tooth disease X-linked dominant 1. To our knowledge, no experimental evidence demonstrating an impact on protein function has been reported. The following publication has been ascertained in the context of this evaluation (PMID: 32376792). ClinVar contains an entry for this variant (Variation ID: 1016396). Based on the evidence outlined above, the variant was classified as uncertain significance.

Labcorp Genetics (formerly Invitae), Labcorp
Classification: Uncertain significance for Charcot-Marie-Tooth Neuropathy X. Last evaluated: 2024-01-18. Review status: criteria provided, single submitter. Criteria: Invitae Variant Classification Sherloc (09022015). Collection method: clinical testing. Allele origin: germline.
Comment: This sequence change replaces serine, which is neutral and polar, with asparagine, which is neutral and polar, at codon 253 of the GJB1 protein (p.Ser253Asn). This variant is present in population databases (no rsID available, gnomAD 0.003%), including at least one homozygous and/or hemizygous individual. This missense change has been observed in individual(s) with clinical features of Charcot-Marie-Tooth disease (PMID: 32376792). ClinVar contains an entry for this variant (Variation ID: 1016396). An algorithm developed to predict the effect of missense changes on protein structure and function (PolyPhen-2) suggests that this variant is likely to be tolerated. In summary, the available evidence is currently insufficient to determine the role of this variant in disease. Therefore, it has been classified as a Variant of Uncertain Significance.

Natera, Inc.
Classification: Uncertain significance for Charcot-Marie-Tooth disease. Last evaluated: 2021-04-04. Review status: no assertion criteria provided. Collection method: clinical testing. Allele origin: germline. Not counted in ClinVar's aggregate classification.

Literature cited by the submitters: PubMed 32376792 (cited by 3 submitters).